The following is an entry in ClinVar:

ClinVar aggregate classification (germline): Uncertain significance (1 of 4 stars; one submission).

Conditions:
Polydactyly, postaxial, type A1. Identifiers: MedGen C4282400, MONDO:0008266, OMIM 174200.
Greig cephalopolysyndactyly syndrome (GCPS). Also called: POLYSYNDACTYLY WITH PECULIAR SKULL SHAPE; Greig syndrome; GLI3-Related Greig Cephalopolysyndactyly Syndrome. Identifiers: Orphanet 380, MedGen C0265306, MONDO:0008287, OMIM 175700.
Pallister-Hall syndrome (PHS). Also called: HYPOTHALAMIC HAMARTOBLASTOMA, HYPOPITUITARISM, IMPERFORATE ANUS, AND POSTAXIAL POLYDACTYLY; GLI3-Related Pallister-Hall Syndrome. Identifiers: Orphanet 672, MedGen C0265220, MONDO:0007804, OMIM 146510.
Polysyndactyly 4. Also called: Polysyndactyly uncomplicated; Preaxial polydactyly 4. Identifiers: Orphanet 93338, MedGen C1868111, MONDO:0008272, OMIM 174700.

Submission:

Juno Genomics, Hangzhou Juno Genomics, Inc
Classification: Uncertain significance for Greig cephalopolysyndactyly syndrome; Pallister-Hall syndrome; Polydactyly, postaxial, type A1; Polysyndactyly 4. Review status: criteria provided, single submitter. Criteria: ACMG Guidelines, 2015. Collection method: clinical testing. Allele origin: germline. Affected: yes.
Comment: Absent from controls (or at extremely low frequency if recessive) in Genome Aggregation Database, Exome Sequencing Project, 1000 Genomes Project, or Exome Aggregation Consortium.;Multiple lines of computational evidence support a deleterious effect on the gene or gene product (conservation, evolutionary, splicing impact, etc).;Co-segregation with disease in multiple affected family members in a gene definitively known to cause the disease.;Patient's phenotype or family history is highly specific for a disease with a single genetic etiology.

NM_000168.6(GLI3):c.2689C>T (p.Pro897Ser)

Gene: GLI3 (GLI family zinc finger 3; minus strand). Cytogenetic location: 7p14.1.
Variant type: single nucleotide variant.
Coding change: c.2689C>T on transcript NM_000168.6 (MANE Select); coding-DNA position 2689, C replaced by T.
Protein change: p.Pro897Ser; replaces proline 897 with serine.
Molecular consequence: missense variant.
Genome position (GRCh38, 1-based): chr7:41,966,384, G>A on the plus strand (C>T on the coding strand, the complement: GLI3 is on the minus strand). VCF-style: chr7-41966384-G-A. GRCh37 (hg19) VCF-style: chr7-42005982-G-A.
Other names: short protein forms P897S.
Identifiers: ClinVar variation 3382205 (VCV003382205.2).